The following is an entry in ClinVar:

ClinVar aggregate classification (germline): Likely pathogenic (0 of 4 stars; one submission).

Conditions:
Anophthalmia-microphthalmia syndrome. Also called: Anophthalmia - microphthalmia; Anophthalmia/Microphthalmia. Identifiers: Orphanet 98555, MedGen C5680330, MONDO:0020147.

Submission:

Genetics Department, University Hospital of Toulouse
Classification: Likely pathogenic for Anophthalmia-microphthalmia syndrome. Review status: no assertion criteria provided. Collection method: clinical testing. Allele origin: de novo. Inheritance: Autosomal dominant inheritance. Affected: yes. Observed: 1 heterozygote.
Comment: De novo inversion of 3.15 Mb located 100 kb 3’ to the FOXC1 gene. Transcript analysis using conjunctival cells from affected proband has revealed monoallelic expression of FOXC1 consistent with impact on the expression of the gene.

Single allele

Genes: KU-MEL-3 (uncharacterized LOC497048; plus strand), TUBB2A (tubulin beta 2A class IIa; minus strand), SERPINB6 (serpin family B member 6; minus strand), ECI2 (enoyl-CoA delta isomerase 2; minus strand), LINC02521 (long intergenic non-protein coding RNA 2521; plus strand) and 138 more. Cytogenetic location: 6p25.3-25.1.
Variant type: Inversion.
Identifiers: ClinVar variation 2583165 (VCV002583165.2).